The following is an entry in ClinVar:

NM_002317.7(LOX):c.139C>T (p.Gln47Ter)

Genes: LOX (lysyl oxidase; minus strand), SRFBP1 (serum response factor binding protein 1; plus strand). Cytogenetic location: 5q23.1.
Variant type: single nucleotide variant.
Coding change: c.139C>T on transcript NM_002317.7 (MANE Select); coding-DNA position 139, C replaced by T.
Protein change: p.Gln47Ter; replaces glutamine 47 with a stop codon.
Molecular consequence: nonsense.
Genome position (GRCh38, 1-based): chr5:122,077,847, G>A on the plus strand (C>T on the coding strand, the complement: LOX is on the minus strand). VCF-style: chr5-122077847-G-A. GRCh37 (hg19) VCF-style: chr5-121413542-G-A.
Other names: short protein forms Q47*.
Identifiers: ClinVar variation 1771732 (VCV001771732.2), dbSNP rs2532918093, ClinGen allele CA360878072.

ClinVar aggregate classification (germline): Likely pathogenic (1 of 4 stars; one submission).

Conditions:
Cardiovascular phenotype. Identifiers: MedGen CN230736.

Submission:

Ambry Genetics
Classification: Likely pathogenic for Cardiovascular phenotype. Last evaluated: 2019-11-05. Review status: criteria provided, single submitter. Criteria: Ambry Variant Classification Scheme 2023. Collection method: clinical testing. Allele origin: germline.
Comment: The p.Q47* variant (also known as c.139C>T), located in coding exon 1 of the LOX gene, results from a C to T substitution at nucleotide position 139. This changes the amino acid from a glutamine to a stop codon within coding exon 1. This alteration is expected to result in loss of function by premature protein truncation or nonsense-mediated mRNA decay. Loss of function of LOX has not yet been clearly established as a mechanism of disease for this recently characterized gene, although the available evidence does support haploinsufficiency as a mechanism. Based on the majority of available evidence to date, this variant is likely to be pathogenic.